The following is an entry in ClinVar:

NM_024503.5(HIVEP3):c.2934C>A (p.Val978=)

Gene: HIVEP3 (HIVEP zinc finger 3; minus strand). Cytogenetic location: 1p34.2.
Variant type: single nucleotide variant.
Coding change: c.2934C>A on transcript NM_024503.5 (MANE Select); coding-DNA position 2934, C replaced by A.
Protein change: p.Val978=; no amino-acid change (valine 978 retained).
Molecular consequence: synonymous variant.
Genome position (GRCh38, 1-based): chr1:41,581,864, G>T on the plus strand (C>A on the coding strand, the complement: HIVEP3 is on the minus strand). VCF-style: chr1-41581864-G-T. GRCh37 (hg19) VCF-style: chr1-42047535-G-T.
Other names: c.2934C>A, p.Val978= (NM_001127714.3).
Identifiers: ClinVar variation 3045032 (VCV003045032.2), dbSNP rs143476188, ClinGen allele CA797948.
Genomic context (GRCh38, chr1:41,581,864, plus strand): 5'-GTTGGGGCTCTGCTCTGAGGCTGACCTCCGCATCTCTCGGGCATGTGGGTGGTGGCTGGG[G>T]ACAGTCAACATGTGGGTGCCCAGGGGTTTGGGGCGCATGTCAGATGAGGGACTGGGGGCC-3'
Protein context (NP_078779.2, residues 968-988): PKPLGTHMLT[Val978=]PSHHPHAREM

ClinVar aggregate classification (germline): Likely benign (0 of 4 stars; one submission).

Conditions:
HIVEP3-related disorder. Also called: HIVEP3-related condition.

Allele frequency attached by ClinVar (database versions not stated): ExAC 0.00050; gnomAD 0.00054; TOPMed 0.00055; ESP Exome Variant Server 0.00069.
gnomAD v4.1: 920 of 1,608,128 alleles (0.057%); highest among the groups gnomAD compares: Non-Finnish European, 0.072%; no homozygotes.

Submission:

PreventionGenetics, part of Exact Sciences
Classification: Likely benign for HIVEP3-related condition. Last evaluated: 2019-10-28. Review status: no assertion criteria provided. Collection method: clinical testing. Allele origin: germline.
Comment: This variant is classified as likely benign based on ACMG/AMP sequence variant interpretation guidelines (Richards et al. 2015 PMID: 25741868, with internal and published modifications).